The following is an entry in ClinVar:

NM_000368.5(TSC1):c.775T>C (p.Cys259Arg)

Gene: TSC1 (TSC complex subunit 1; minus strand). Cytogenetic location: 9q34.13.
Variant type: single nucleotide variant.
Coding change: c.775T>C on transcript NM_000368.5 (MANE Select); coding-DNA position 775, T replaced by C.
Protein change: p.Cys259Arg; replaces cysteine 259 with arginine.
Molecular consequence: missense variant.
Genome position (GRCh38, 1-based): chr9:132,912,420, A>G on the plus strand (T>C on the coding strand, the complement: TSC1 is on the minus strand). VCF-style: chr9-132912420-A-G. GRCh37 (hg19) VCF-style: chr9-135787807-A-G.
Other names: c.775T>C, p.Cys259Arg (NM_001162426.2); c.622T>C, p.Cys208Arg (NM_001162427.2); c.412T>C, p.Cys138Arg (NM_001362177.2); short protein forms C138R, C259R, C208R.
Identifiers: ClinVar variation 1425975 (VCV001425975.8), dbSNP rs1191767597, ClinGen allele CA375369582.

ClinVar aggregate classification (germline): Uncertain significance (1 of 4 stars; one submission).

Conditions:
Tuberous sclerosis 1 (TSC1). Identifiers: Orphanet 805, MedGen C1854465, MONDO:0008612, OMIM 191100.

Submission:

Labcorp Genetics (formerly Invitae), Labcorp
Classification: Uncertain significance for Tuberous sclerosis 1. Last evaluated: 2020-11-26. Review status: criteria provided, single submitter. Criteria: Invitae Variant Classification Sherloc (09022015). Collection method: clinical testing. Allele origin: germline.
Comment: In summary, the available evidence is currently insufficient to determine the role of this variant in disease. Therefore, it has been classified as a Variant of Uncertain Significance. Algorithms developed to predict the effect of missense changes on protein structure and function are either unavailable or do not agree on the potential impact of this missense change (SIFT: "Deleterious"; PolyPhen-2: "Probably Damaging"; Align-GVGD: "Class C0"). This variant has not been reported in the literature in individuals with TSC1-related conditions. This variant is not present in population databases (ExAC no frequency). This sequence change replaces cysteine with arginine at codon 259 of the TSC1 protein (p.Cys259Arg). The cysteine residue is highly conserved and there is a large physicochemical difference between cysteine and arginine.